The following is an entry in ClinVar:

ClinVar aggregate classification (germline): Uncertain significance (1 of 4 stars; one submission).

Submission:

Women's Health and Genetics/Laboratory Corporation of America, LabCorp
Classification: Uncertain significance. Last evaluated: 2025-12-26. Review status: criteria provided, single submitter. Criteria: LabCorp Variant Classification Summary - May 2015. Collection method: clinical testing. Allele origin: germline.
Comment: Variant summary: GALT c.131T>C (p.Val44Ala) results in a non-conservative amino acid change in the encoded protein sequence. Algorithms developed to predict the effect of missense changes on protein structure and function all suggest that this variant is likely to be disruptive. The variant was absent in 251428 control chromosomes. The available data on variant occurrences in the general population are insufficient to allow any conclusion about variant significance. To our knowledge, no occurrence of c.131T>C in individuals affected with GALT-related conditions and no experimental evidence demonstrating its impact on protein function have been reported. No submitters have cited clinical-significance assessments for this variant to ClinVar. Based on the evidence outlined above, the variant was classified as uncertain significance.

NM_000155.4(GALT):c.131T>C (p.Val44Ala)

Genes: GALT (galactose-1-phosphate uridylyltransferase; plus strand), LOC130001683 (ATAC-STARR-seq lymphoblastoid active region 28314; plus strand). Cytogenetic location: 9p13.3.
Variant type: single nucleotide variant.
Coding change: c.131T>C on transcript NM_000155.4 (MANE Select); coding-DNA position 131, T replaced by C.
Protein change: p.Val44Ala; replaces valine 44 with alanine.
Molecular consequence: missense variant. On other transcripts: 5 prime UTR variant (1).
Genome position (GRCh38, 1-based): chr9:34,647,137, T>C. VCF-style: chr9-34647137-T-C. GRCh37 (hg19) VCF-style: chr9-34647134-T-C.
Other names: c.-72T>C (NM_001258332.2); short protein forms V44A.
Identifiers: ClinVar variation 4688815 (VCV004688815.1).